The following is an entry in ClinVar:

ClinVar aggregate classification (germline): Conflicting classifications of pathogenicity. Review status: criteria provided, conflicting classifications (1 of 4 stars). 4 submissions from 4 submitters: Uncertain significance (3); Likely benign (1). Last evaluated 2026-03-26.

Conditions:
Charcot-Marie-Tooth disease type 4. Also called: Charcot-Marie-Tooth disease, type IV; Charcot-Marie-Tooth, Type 4. Identifiers: Orphanet 64749, MedGen C4082197, MONDO:0018995.
FIG4-related disorder. Also called: FIG4-related disorders; FIG4-related condition.

Allele frequency attached by ClinVar (database versions not stated): ESP Exome Variant Server 0.00031; gnomAD 0.00034 and 0.00038; TOPMed 0.00038; gnomAD exomes 0.00003 and 0.00006; ExAC 0.00008.
gnomAD v4.1: 97 of 1,473,546 alleles (0.0066%); highest among the groups gnomAD compares: African/African-American, 0.13%; 1 homozygote.

Submissions (4):

PreventionGenetics, part of Exact Sciences
Classification: Uncertain significance for FIG4-related condition. Last evaluated: 2026-03-26. Review status: criteria provided, single submitter. Criteria: ACMG Guidelines, 2015. Collection method: clinical testing. Allele origin: germline.
Comment: The FIG4 c.2459+5G>A variant is predicted to interfere with splicing. This variant is predicted to alter splicing based on available splicing prediction programs (Alamut Visual v1.6.1). However, the use of computer prediction programs is not equivalent to functional evidence. To our knowledge, this variant has not been reported in the literature. This variant is reported in 0.12% of alleles in individuals of African descent in gnomAD. At this time, the clinical significance of this variant is uncertain due to the absence of conclusive functional and genetic evidence.

GeneDx
Classification: Likely benign. Last evaluated: 2023-05-26. Review status: criteria provided, single submitter. Criteria: GeneDx Variant Classification Process June 2021. Collection method: clinical testing. Allele origin: germline.
Comment: In silico analysis supports that this variant does not alter splicing; Nucleotide substitution has no predicted effect on splicing and is not conserved across species; Has not been previously published as pathogenic or benign to our knowledge

Labcorp Genetics (formerly Invitae), Labcorp
Classification: Uncertain significance for Charcot-Marie-Tooth disease type 4. Last evaluated: 2022-10-13. Review status: criteria provided, single submitter. Criteria: Invitae Variant Classification Sherloc (09022015). Collection method: clinical testing. Allele origin: germline.
Comment: This sequence change falls in intron 21 of the FIG4 gene. It does not directly change the encoded amino acid sequence of the FIG4 protein. It affects a nucleotide within the consensus splice site. This variant is present in population databases (rs367944508, gnomAD 0.1%). This variant has not been reported in the literature in individuals affected with FIG4-related conditions. ClinVar contains an entry for this variant (Variation ID: 656318). Variants that disrupt the consensus splice site are a relatively common cause of aberrant splicing (PMID: 17576681, 9536098). Algorithms developed to predict the effect of sequence changes on RNA splicing suggest that this variant is not likely to affect RNA splicing. In summary, the available evidence is currently insufficient to determine the role of this variant in disease. Therefore, it has been classified as a Variant of Uncertain Significance.

Athena Diagnostics
Classification: Uncertain significance. Last evaluated: 2022-06-16. Review status: criteria provided, single submitter. Criteria: Athena Diagnostics Criteria. Collection method: clinical testing. Allele origin: unknown.

Literature cited by the submitters: PubMed 17576681 (cited by Labcorp Genetics (formerly Invitae), Labcorp); PubMed 9536098 (cited by Labcorp Genetics (formerly Invitae), Labcorp).

NM_014845.6(FIG4):c.2459+5G>A

Gene: FIG4 (FIG4 phosphoinositide 5-phosphatase; plus strand). Cytogenetic location: 6q21.
Variant type: single nucleotide variant.
Coding change: c.2459+5G>A on transcript NM_014845.6 (MANE Select); 5 bases into the intron after coding-DNA position 2459, G replaced by A.
Molecular consequence: intron variant.
Genome position (GRCh38, 1-based): chr6:109,792,669, G>A. VCF-style: chr6-109792669-G-A. GRCh37 (hg19) VCF-style: chr6-110113872-G-A.
Identifiers: ClinVar variation 656318 (VCV000656318.8), dbSNP rs367944508, ClinGen allele CA3956400.